The following is an entry in ClinVar:

ClinVar aggregate classification (germline): Conflicting classifications of pathogenicity. Review status: criteria provided, conflicting classifications (1 of 4 stars). 2 submissions from 2 submitters: Likely pathogenic (1); Uncertain significance (1). Last evaluated 2024-08-16.

Conditions:
Hereditary cancer-predisposing syndrome. Also called: Neoplastic Syndromes, Hereditary; Tumor predisposition; Hereditary Cancer Syndrome; Hereditary neoplastic syndrome. Identifiers: Orphanet 140162, MedGen C0027672, MeSH D009386, MONDO:0015356.

Submissions (2):

Ambry Genetics
Classification: Likely pathogenic for Hereditary cancer-predisposing syndrome. Last evaluated: 2024-08-16. Review status: criteria provided, single submitter. Criteria: Ambry Variant Classification Scheme 2023. Collection method: clinical testing. Allele origin: germline.
Comment: The p.N406D variant (also known as c.1216A>G), located in coding exon 8 of the FH gene, results from an A to G substitution at nucleotide position 1216. The asparagine at codon 406 is replaced by aspartic acid, an amino acid with highly similar properties. This alteration has been observed in multiple individuals with a personal and/or family history that is consistent with FH-related disease (Ambry internal data). This amino acid position is highly conserved in available vertebrate species. In addition, this alteration is predicted to be deleterious by in silico analysis. This variant is considered to be rare based on population cohorts in the Genome Aggregation Database (gnomAD). Based on the majority of available evidence to date, this variant is likely to be pathogenic.

Labcorp Genetics (formerly Invitae), Labcorp
Classification: Uncertain significance. Last evaluated: 2019-03-04. Review status: criteria provided, single submitter. Criteria: Invitae Variant Classification Sherloc (09022015). Collection method: clinical testing. Allele origin: germline.
Comment: Algorithms developed to predict the effect of missense changes on protein structure and function are either unavailable or do not agree on the potential impact of this missense change (SIFT: "Tolerated"; PolyPhen-2: "Probably Damaging"; Align-GVGD: "Class C0"). In summary, the available evidence is currently insufficient to determine the role of this variant in disease. Therefore, it has been classified as a Variant of Uncertain Significance. This variant has not been reported in the literature in individuals with FH-related conditions. ClinVar contains an entry for this variant (Variation ID: 231785). This variant is not present in population databases (ExAC no frequency). This sequence change replaces asparagine with aspartic acid at codon 406 of the FH protein (p.Asn406Asp). The asparagine residue is highly conserved and there is a small physicochemical difference between asparagine and aspartic acid.

NM_000143.4(FH):c.1216A>G (p.Asn406Asp)

Gene: FH (fumarate hydratase; minus strand). Cytogenetic location: 1q43.
Variant type: single nucleotide variant.
Coding change: c.1216A>G on transcript NM_000143.4 (MANE Select); coding-DNA position 1216, A replaced by G.
Protein change: p.Asn406Asp; replaces asparagine 406 with aspartic acid.
Molecular consequence: missense variant.
Genome position (GRCh38, 1-based): chr1:241,502,463, T>C on the plus strand (A>G on the coding strand, the complement: FH is on the minus strand). VCF-style: chr1-241502463-T-C. GRCh37 (hg19) VCF-style: chr1-241665763-T-C.
Other names: short protein forms N406D.
Identifiers: ClinVar variation 231785 (VCV000231785.18), dbSNP rs876659362, ClinGen allele CA10577683.